The following is an entry in ClinVar:

NM_030973.4(MED25):c.135-3C>T

Gene: MED25 (mediator complex subunit 25; plus strand). Cytogenetic location: 19q13.33.
Variant type: single nucleotide variant.
Coding change: c.135-3C>T on transcript NM_030973.4 (MANE Select); 3 bases into the intron before coding-DNA position 135, C replaced by T.
Molecular consequence: intron variant.
Genome position (GRCh38, 1-based): chr19:49,818,568, C>T. VCF-style: chr19-49818568-C-T. GRCh37 (hg19) VCF-style: chr19-50321825-C-T.
Other names: c.135-3C>T (NM_001378355.1, NM_030973.3).
Identifiers: ClinVar variation 1335358 (VCV001335358.40), dbSNP rs750459702, ClinGen allele CA9584735.

ClinVar aggregate classification (germline): Uncertain significance. Review status: criteria provided, multiple submitters, no conflicts (2 of 4 stars). 4 submissions from 4 submitters: Uncertain significance (4). Last evaluated 2022-01-26.

Conditions:
Charcot-Marie-Tooth disease type 2. Also called: Charcot-Marie-Tooth type 2. Identifiers: Orphanet 64746, MedGen C0270914, MONDO:0018993.
Inborn genetic diseases. Identifiers: MedGen C0950123, MeSH D030342.

Allele frequency attached by ClinVar (database versions not stated): TOPMed below 0.00001; ExAC 0.00001; gnomAD 0.00001; gnomAD exomes 0.00001.
gnomAD v4.1: 17 of 1,614,066 alleles (0.0011%); highest among the groups gnomAD compares: Middle Eastern, 0.16%; no homozygotes.

Submissions (4):

Labcorp Genetics (formerly Invitae), Labcorp
Classification: Uncertain significance for Charcot-Marie-Tooth disease type 2. Last evaluated: 2022-01-26. Review status: criteria provided, single submitter. Criteria: Invitae Variant Classification Sherloc (09022015). Collection method: clinical testing. Allele origin: germline.
Comment: This sequence change falls in intron 1 of the MED25 gene. It does not directly change the encoded amino acid sequence of the MED25 protein. It affects a nucleotide within the consensus splice site. This variant is present in population databases (rs750459702, gnomAD 0.003%). This variant has not been reported in the literature in individuals affected with MED25-related conditions. Variants that disrupt the consensus splice site are a relatively common cause of aberrant splicing (PMID: 17576681, 9536098). Algorithms developed to predict the effect of sequence changes on RNA splicing suggest that this variant is not likely to affect RNA splicing. In summary, the available evidence is currently insufficient to determine the role of this variant in disease. Therefore, it has been classified as a Variant of Uncertain Significance.

Ambry Genetics
Classification: Uncertain significance for Inborn genetic diseases. Last evaluated: 2021-11-05. Review status: criteria provided, single submitter. Criteria: Ambry Variant Classification Scheme 2023. Collection method: clinical testing. Allele origin: germline.
Comment: The c.135-3C>T intronic alteration consists of a C to T substitution 3 nucleotides before exon 2 of the MED25 gene. Based on insufficient or conflicting evidence, the clinical significance of this alteration remains unclear.

CeGaT Center for Human Genetics Tuebingen
Classification: Uncertain significance. Last evaluated: 2021-11-01. Review status: criteria provided, single submitter. Criteria: CeGaT Center For Human Genetics Tuebingen Variant Classification Criteria Version 2. Collection method: clinical testing. Allele origin: germline. Affected: yes. Observed: 1 variant allele.

Breakthrough Genomics
Classification: Uncertain significance. Review status: criteria provided, single submitter. Criteria: ACMG Guidelines, 2015. Collection method: not provided. Allele origin: germline. Inheritance: Autosomal dominant inheritance. Affected: yes.

Literature cited by the submitters: PubMed 17576681 (cited by Labcorp Genetics (formerly Invitae), Labcorp); PubMed 9536098 (cited by Labcorp Genetics (formerly Invitae), Labcorp).